The following is an entry in ClinVar:

ClinVar aggregate classification (germline): Uncertain significance (1 of 4 stars; one submission).

Conditions:
Mitochondrial complex II deficiency, nuclear type 1. Also called: SUCCINATE CoQ REDUCTASE DEFICIENCY. Identifiers: Orphanet 3208, MedGen C5700310, MONDO:0100294, OMIM 252011.
Pheochromocytoma/paraganglioma syndrome 5. Also called: Paragangliomas 5; SDHA-Related Hereditary Paraganglioma-Pheochromocytoma Syndrome. Identifiers: Orphanet 29072, MedGen C3279992, MONDO:0013602, OMIM 614165.

Submission:

Labcorp Genetics (formerly Invitae), Labcorp
Classification: Uncertain significance for Pheochromocytoma/paraganglioma syndrome 5; Mitochondrial complex II deficiency, nuclear type 1. Last evaluated: 2021-04-04. Review status: criteria provided, single submitter. Criteria: Invitae Variant Classification Sherloc (09022015). Collection method: clinical testing. Allele origin: germline.
Comment: This sequence change replaces glycine with alanine at codon 70 of the SDHA protein (p.Gly70Ala). The glycine residue is highly conserved and there is a small physicochemical difference between glycine and alanine. This variant is not present in population databases (ExAC no frequency). This variant has not been reported in the literature in individuals with SDHA-related conditions. Algorithms developed to predict the effect of missense changes on protein structure and function (SIFT, PolyPhen-2, Align-GVGD) all suggest that this variant is likely to be disruptive, but these predictions have not been confirmed by published functional studies and their clinical significance is uncertain. In summary, the available evidence is currently insufficient to determine the role of this variant in disease. Therefore, it has been classified as a Variant of Uncertain Significance.

NM_004168.4(SDHA):c.209G>C (p.Gly70Ala)

Gene: SDHA (succinate dehydrogenase complex flavoprotein subunit A; plus strand). Cytogenetic location: 5p15.33.
Variant type: single nucleotide variant.
Coding change: c.209G>C on transcript NM_004168.4 (MANE Select); coding-DNA position 209, G replaced by C.
Protein change: p.Gly70Ala; replaces glycine 70 with alanine.
Molecular consequence: missense variant.
Genome position (GRCh38, 1-based): chr5:224,418, G>C. VCF-style: chr5-224418-G-C. GRCh37 (hg19) VCF-style: chr5-224533-G-C.
Other names: c.209G>C, p.Gly70Ala (NM_001294332.2, NM_001330758.2); short protein forms G70A.
Identifiers: ClinVar variation 1522933 (VCV001522933.8), dbSNP rs2126542624, ClinGen allele CA359008491.